The following is an entry in ClinVar:

NM_017763.6(RNF43):c.2309-16C>T

Gene: RNF43 (ring finger protein 43; minus strand). Cytogenetic location: 17q22.
Variant type: single nucleotide variant.
Coding change: c.2309-16C>T on transcript NM_017763.6 (MANE Select); 16 bases into the intron before coding-DNA position 2309, C replaced by T.
Molecular consequence: intron variant.
Genome position (GRCh38, 1-based): chr17:58,355,002, G>A on the plus strand (C>T on the coding strand, the complement: RNF43 is on the minus strand). VCF-style: chr17-58355002-G-A. GRCh37 (hg19) VCF-style: chr17-56432363-G-A.
Other names: c.1928-16C>T (NM_001305545.2); c.2309-16C>T (NM_001438822.1, NM_001305544.3).
Identifiers: ClinVar variation 3716279 (VCV003716279.3).

ClinVar aggregate classification (germline): Likely benign. Review status: criteria provided, multiple submitters, no conflicts (2 of 4 stars). 2 submissions from 2 submitters: Likely benign (2). Last evaluated 2026-06-26.

Conditions:
Sessile serrated polyposis cancer syndrome (SSPCS). Identifiers: Orphanet 157798, MedGen C4310714, MONDO:0014919, OMIM 617108.

gnomAD v4.1: 10 of 1,612,986 alleles (0.00062%); highest among the groups gnomAD compares: Admixed American, 0.005%; no homozygotes.

Submissions (2):

Myriad Genetics, Inc.
Classification: Likely benign for Sessile serrated polyposis cancer syndrome. Last evaluated: 2026-06-26. Review status: criteria provided, single submitter. Criteria: Myriad Autosomal Dominant, Autosomal Recessive and X-Linked Classification Criteria (2023). Collection method: clinical testing. Allele origin: unknown.
Comment: This variant is considered likely benign. This variant is intronic and is not expected to impact mRNA splicing.

Labcorp Genetics (formerly Invitae), Labcorp
Classification: Likely benign. Last evaluated: 2025-11-03. Review status: criteria provided, single submitter. Criteria: Invitae Variant Classification Sherloc (09022015). Collection method: clinical testing. Allele origin: germline.